The following is an entry in ClinVar:

ClinVar aggregate classification (germline): Pathogenic. Review status: criteria provided, multiple submitters, no conflicts (2 of 4 stars). 3 submissions from 3 submitters: Pathogenic (3). Last evaluated 2026-09-28.

Conditions:
Cardiovascular phenotype. Identifiers: MedGen CN230736.
Hypertrophic cardiomyopathy. Also called: HYPERTROPHIC MYOCARDIOPATHY. Identifiers: Orphanet 217569, MedGen C0007194, MeSH D002312, MONDO:0005045, HP:0001639.

Submissions (3):

GeneDx
Classification: Pathogenic. Last evaluated: 2026-09-28. Review status: criteria provided, single submitter. Criteria: GeneDx Variant Classification Process June 2021. Collection method: clinical testing. Allele origin: germline.
Comment: Nonsense variant predicted to result in protein truncation or nonsense mediated decay in a gene for which loss of function is a known mechanism of disease; Reported in patients with HCM in the published literature (PMID: 27532257, 26271555, 29121657); Not observed at significant frequency in large population cohorts (gnomAD); This variant is associated with the following publications: (PMID: 27532257, 29121657, 37652022, 26271555)

Labcorp Genetics (formerly Invitae), Labcorp
Classification: Pathogenic for Hypertrophic cardiomyopathy. Last evaluated: 2026-01-25. Review status: criteria provided, single submitter. Criteria: Invitae Variant Classification Sherloc (09022015). Collection method: clinical testing. Allele origin: germline.
Comment: This sequence change creates a premature translational stop signal (p.Trp486*) in the MYBPC3 gene. It is expected to result in an absent or disrupted protein product. Loss-of-function variants in MYBPC3 are known to be pathogenic (PMID: 19574547). This variant is not present in population databases (gnomAD no frequency). This premature translational stop signal has been observed in individual(s) with hypertrophic cardiomyopathy (PMID: 27532257, 29121657). ClinVar contains an entry for this variant (Variation ID: 180937). Algorithms developed to predict the effect of sequence changes on RNA splicing suggest that this variant may disrupt the consensus splice site. For these reasons, this variant has been classified as Pathogenic.

Ambry Genetics
Classification: Pathogenic for Cardiovascular phenotype. Last evaluated: 2024-04-18. Review status: criteria provided, single submitter. Criteria: Ambry Variant Classification Scheme 2023. Collection method: clinical testing. Allele origin: germline.
Comment: The p.W486* pathogenic mutation (also known as c.1457G>A), located in coding exon 16 of the MYBPC3 gene, results from a G to A substitution at nucleotide position 1457. This changes the amino acid from a tryptophan to a stop codon within coding exon 16. This alteration has been reported in association with hypertrophic cardiomyopathy (HCM) (Walsh R et al. Genet. Med., 2017 02;19:192-203; Viswanathan SK et al. PLoS ONE, 2017 Nov;12:e0187948). This variant is considered to be rare based on population cohorts in the Genome Aggregation Database (gnomAD). In addition to the clinical data presented in the literature, this alteration is expected to result in loss of function by premature protein truncation or nonsense-mediated mRNA decay. As such, this alteration is interpreted as a disease-causing mutation.

Literature cited by the submitters: PubMed 19574547 (cited by Labcorp Genetics (formerly Invitae), Labcorp); PubMed 27532257 (cited by Labcorp Genetics (formerly Invitae), Labcorp and Ambry Genetics); PubMed 29121657 (cited by Labcorp Genetics (formerly Invitae), Labcorp and Ambry Genetics).

NM_000256.3(MYBPC3):c.1457G>A (p.Trp486Ter)

Gene: MYBPC3 (myosin binding protein C3; minus strand). Cytogenetic location: 11p11.2.
Variant type: single nucleotide variant.
Coding change: c.1457G>A on transcript NM_000256.3 (MANE Select); coding-DNA position 1457, G replaced by A.
Protein change: p.Trp486Ter; replaces tryptophan 486 with a stop codon.
Molecular consequence: nonsense.
Genome position (GRCh38, 1-based): chr11:47,342,830, C>T on the plus strand (G>A on the coding strand, the complement: MYBPC3 is on the minus strand). VCF-style: chr11-47342830-C-T. GRCh37 (hg19) VCF-style: chr11-47364381-C-T.
Other names: p.W486*:TGG>TAG; c.1457G>A, p.Trp486Ter (LRG_386t1); short protein forms W486*.
Identifiers: ClinVar variation 180937 (VCV000180937.10), dbSNP rs730880542, ClinGen allele CA010361.